The following is an entry in ClinVar:

NM_000541.5(SAG):c.721A>G (p.Ile241Val)

Gene: SAG (S-antigen visual arrestin; plus strand). Cytogenetic location: 2q37.1.
Variant type: single nucleotide variant.
Coding change: c.721A>G on transcript NM_000541.5 (MANE Select); coding-DNA position 721, A replaced by G.
Protein change: p.Ile241Val; replaces isoleucine 241 with valine.
Molecular consequence: missense variant.
Genome position (GRCh38, 1-based): chr2:233,329,565, A>G. VCF-style: chr2-233329565-A-G. GRCh37 (hg19) VCF-style: chr2-234238211-A-G.
Other names: c.721A>G (NM_000541.4); short protein forms I241V.
Identifiers: ClinVar variation 1398862 (VCV001398862.9), dbSNP rs370419891, ClinGen allele CA2174497.

ClinVar aggregate classification (germline): Uncertain significance. Review status: criteria provided, multiple submitters, no conflicts (2 of 4 stars). 4 submissions from 4 submitters: Uncertain significance (4). Last evaluated 2026-07-17.

Conditions:
Inborn genetic diseases. Identifiers: MedGen C0950123, MeSH D030342.
Oguchi disease-1. Also called: Congenital stationary night blindness Oguchi type 1. Identifiers: MedGen C4551824, MONDO:0009775, OMIM 258100.
Retinitis pigmentosa 96 (RP96). Also called: Retinitis pigmentosa 96, autosomal dominant. Identifiers: MedGen C5774303, MONDO:0859367, OMIM 620228.
Retinitis pigmentosa 47 (RP47). Identifiers: Orphanet 791, MedGen C3151061, MONDO:0013407, OMIM 613758.
SAG-related disorder. Also called: SAG-related condition; SAG-related disorders.

Allele frequency attached by ClinVar (database versions not stated): gnomAD exomes 0.00001 and 0.00005; ExAC 0.00003; gnomAD 0.00006 and 0.00019; ESP Exome Variant Server 0.00008; TOPMed 0.00023; 1000 Genomes Project 0.00040; 1000 Genomes Project 30x 0.00047.
gnomAD v4.1: 48 of 1,608,994 alleles (0.003%); highest among the groups gnomAD compares: Admixed American, 0.022%; 1 homozygote.

Submissions (4):

PreventionGenetics, part of Exact Sciences
Classification: Uncertain significance for SAG-related condition. Last evaluated: 2026-07-17. Review status: criteria provided, single submitter. Criteria: ACMG Guidelines, 2015. Collection method: clinical testing. Allele origin: germline.
Comment: The SAG c.721A>G variant is predicted to result in the amino acid substitution p.Ile241Val. To our knowledge, this variant has not been reported in the literature. This variant is reported in 0.023% of alleles in individuals of Latino descent in gnomAD. At this time, the clinical significance of this variant is uncertain due to the absence of conclusive functional and genetic evidence.

Ambry Genetics
Classification: Uncertain significance for Inborn genetic diseases. Last evaluated: 2025-01-23. Review status: criteria provided, single submitter. Criteria: Ambry Variant Classification Scheme 2023. Collection method: clinical testing. Allele origin: germline.

Labcorp Genetics (formerly Invitae), Labcorp
Classification: Uncertain significance. Last evaluated: 2024-11-11. Review status: criteria provided, single submitter. Criteria: Invitae Variant Classification Sherloc (09022015). Collection method: clinical testing. Allele origin: germline.
Comment: This sequence change replaces isoleucine, which is neutral and non-polar, with valine, which is neutral and non-polar, at codon 241 of the SAG protein (p.Ile241Val). This variant is present in population databases (rs370419891, gnomAD 0.02%). This variant has not been reported in the literature in individuals affected with SAG-related conditions. ClinVar contains an entry for this variant (Variation ID: 1398862). Invitae Evidence Modeling of protein sequence and biophysical properties (such as structural, functional, and spatial information, amino acid conservation, physicochemical variation, residue mobility, and thermodynamic stability) indicates that this missense variant is not expected to disrupt SAG protein function with a negative predictive value of 80%. In summary, the available evidence is currently insufficient to determine the role of this variant in disease. Therefore, it has been classified as a Variant of Uncertain Significance.

Department of Pathology and Laboratory Medicine, Sinai Health System
Classification: Uncertain significance for Oguchi disease-1; Retinitis pigmentosa 47; Retinitis pigmentosa 96. Last evaluated: 2021-07-30. Review status: criteria provided, single submitter. Criteria: ACMG Guidelines, 2015. Collection method: research. Allele origin: germline.